The following is an entry in ClinVar:

ClinVar aggregate classification (germline): Pathogenic/Likely pathogenic. Review status: criteria provided, multiple submitters, no conflicts (2 of 4 stars). 2 submissions from 2 submitters: Pathogenic (1); Likely pathogenic (1). Last evaluated 2021-07-25.

Conditions:
Developmental and epileptic encephalopathy, 25 (DEE25). Also called: Epileptic encephalopathy, early infantile, 25; Developmental and epileptic encephalopathy 25, with amelogenesis imperfecta; Epileptic encephalopathy, early infantile, 25, with amelogenesis imperfecta. Identifiers: Orphanet 442835, MedGen C4014621, MONDO:0014392, OMIM 615905.

Submissions (2):

Labcorp Genetics (formerly Invitae), Labcorp
Classification: Pathogenic for Developmental and epileptic encephalopathy, 25. Last evaluated: 2021-07-25. Review status: criteria provided, single submitter. Criteria: Invitae Variant Classification Sherloc (09022015). Collection method: clinical testing. Allele origin: germline.
Comment: This sequence change creates a premature translational stop signal (p.Ser381Alafs*21) in the SLC13A5 gene. It is expected to result in an absent or disrupted protein product. Loss-of-function variants in SLC13A5 are known to be pathogenic (PMID: 24995870, 26384929). This variant is not present in population databases (ExAC no frequency). This variant has not been reported in the literature in individuals affected with SLC13A5-related conditions. ClinVar contains an entry for this variant (Variation ID: 546784). For these reasons, this variant has been classified as Pathogenic.

CeGaT Center for Human Genetics Tuebingen
Classification: Likely pathogenic. Last evaluated: 2018-02-28. Review status: criteria provided, single submitter. Criteria: Praxis fuer Humangenetik Tuebingen - Variant Classification Criteria. Collection method: clinical testing. Allele origin: germline. Affected: yes. Observed: 2 variant alleles.

Literature cited by the submitters: PubMed 24995870 (cited by Labcorp Genetics (formerly Invitae), Labcorp); PubMed 26384929 (cited by Labcorp Genetics (formerly Invitae), Labcorp).

NM_177550.5(SLC13A5):c.1141del (p.Ser381fs)

Gene: SLC13A5 (solute carrier family 13 member 5; minus strand). Cytogenetic location: 17p13.1.
Variant type: Deletion.
Coding change: c.1141del on transcript NM_177550.5 (MANE Select); coding-DNA position 1141, one base deleted (A; older notation c.1141delA).
Protein change: p.Ser381fs; shifts the reading frame from serine 381.
Molecular consequence: frameshift variant.
Genome position (GRCh38, 1-based): chr17:6,694,112, T deleted on the plus strand (A on the coding strand, the reverse complement: SLC13A5 is on the minus strand). VCF-style (leftmost placement, unchanged base first): chr17-6694111-CT-C. GRCh37 (hg19) VCF-style: chr17-6597430-CT-C.
Other names: c.1141del, p.Ser381fs (NM_001143838.3); c.1090del, p.Ser364fs (NM_001284509.2); c.1012del, p.Ser338fs (NM_001284510.2); short protein forms S338fs, S364fs, S381fs.
Identifiers: ClinVar variation 546784 (VCV000546784.9), dbSNP rs1555541486, ClinGen allele CA658824742.
Genomic context (GRCh38, chr17:6,694,111, plus strand): 5'-CAGGGCTCCAGTCCTGATGACTGGGCGATCAGAACAGGAGACTTACCTTCCTCAGTCTGG[CT>C]GCGGAAGTTAAACTTGGGCTTCTGTGAAGGCACAATGAATAGCAGGGTGGCCACAAAGAT-3'